The following is an entry in ClinVar:

ClinVar aggregate classification (germline): Uncertain significance. Review status: criteria provided, multiple submitters, no conflicts (2 of 4 stars). 2 submissions from 2 submitters: Uncertain significance (2). Last evaluated 2025-07-21.

Allele frequency attached by ClinVar (database versions not stated): TOPMed below 0.00001; gnomAD 0.00001; gnomAD exomes 0.00001.

Submissions (2):

Labcorp Genetics (formerly Invitae), Labcorp
Classification: Uncertain significance. Last evaluated: 2025-07-21. Review status: criteria provided, single submitter. Criteria: Invitae Variant Classification Sherloc (09022015). Collection method: clinical testing. Allele origin: germline.
Comment: This sequence change replaces histidine, which is basic and polar, with arginine, which is basic and polar, at codon 837 of the GEN1 protein (p.His837Arg). This variant is not present in population databases (gnomAD no frequency). This variant has not been reported in the literature in individuals affected with GEN1-related conditions. ClinVar contains an entry for this variant (Variation ID: 2896976). An algorithm developed to predict the effect of missense changes on protein structure and function outputs the following: PolyPhen-2: "Benign". The arginine amino acid residue is found in multiple mammalian species, which suggests that this missense change does not adversely affect protein function. In summary, the available evidence is currently insufficient to determine the role of this variant in disease. Therefore, it has been classified as a Variant of Uncertain Significance.

Ambry Genetics
Classification: Uncertain significance. Last evaluated: 2025-05-02. Review status: criteria provided, single submitter. Criteria: Ambry Variant Classification Scheme 2023. Collection method: clinical testing. Allele origin: germline.
Comment: The p.H837R variant (also known as c.2510A>G), located in coding exon 13 of the GEN1 gene, results from an A to G substitution at nucleotide position 2510. The histidine at codon 837 is replaced by arginine, an amino acid with highly similar properties. This amino acid position is conserved. In addition, this alteration is predicted to be tolerated by in silico analysis. Based on the available evidence, the clinical significance of this variant remains unclear.

NM_001130009.3(GEN1):c.2510A>G (p.His837Arg)

Gene: GEN1 (GEN1 structure-specific endonuclease; plus strand). Cytogenetic location: 2p24.2.
Variant type: single nucleotide variant.
Coding change: c.2510A>G on transcript NM_001130009.3 (MANE Select); coding-DNA position 2510, A replaced by G.
Protein change: p.His837Arg; replaces histidine 837 with arginine.
Molecular consequence: missense variant.
Genome position (GRCh38, 1-based): chr2:17,781,722, A>G. VCF-style: chr2-17781722-A-G. GRCh37 (hg19) VCF-style: chr2-17962989-A-G.
Other names: c.2510A>G (NM_001130009.1); c.2510A>G, p.His837Arg (NM_182625.5); short protein forms H837R.
Identifiers: ClinVar variation 2896976 (VCV002896976.4), dbSNP rs1323072378, ClinGen allele CA345928209.